The following is an entry in ClinVar:

ClinVar aggregate classification (germline): Uncertain significance (1 of 4 stars; one submission).

Submission:

GeneDx
Classification: Uncertain significance. Last evaluated: 2024-12-11. Review status: criteria provided, single submitter. Criteria: GeneDx Variant Classification Process June 2021. Collection method: clinical testing. Allele origin: germline. Affected: yes.
Comment: Not observed at significant frequency in large population cohorts (gnomAD); In silico analysis indicates that this missense variant does not alter protein structure/function; Has not been previously published as pathogenic or benign to our knowledge

NM_001270.4(CHD1):c.834G>A (p.Met278Ile)

Gene: CHD1 (chromodomain helicase DNA binding protein 1; minus strand). Cytogenetic location: 5q21.1.
Variant type: single nucleotide variant.
Coding change: c.834G>A on transcript NM_001270.4 (MANE Select); coding-DNA position 834, G replaced by A.
Protein change: p.Met278Ile; replaces methionine 278 with isoleucine.
Molecular consequence: missense variant. On other transcripts: non-coding transcript variant (2).
Genome position (GRCh38, 1-based): chr5:98,900,836, C>T on the plus strand (G>A on the coding strand, the complement: CHD1 is on the minus strand). VCF-style: chr5-98900836-C-T. GRCh37 (hg19) VCF-style: chr5-98236540-C-T.
Other names: c.834G>A, p.Met278Ile (NM_001364113.3, NM_001376194.2); short protein forms M278I.
Identifiers: ClinVar variation 3902929 (VCV003902929.1).